The following is an entry in ClinVar:

ClinVar aggregate classification (germline): Uncertain significance (1 of 4 stars; one submission).

Conditions:
Tuberous sclerosis 1 (TSC1). Identifiers: Orphanet 805, MedGen C1854465, MONDO:0008612, OMIM 191100.

Submission:

Labcorp Genetics (formerly Invitae), Labcorp
Classification: Uncertain significance for Tuberous sclerosis 1. Last evaluated: 2024-03-28. Review status: criteria provided, single submitter. Criteria: Invitae Variant Classification Sherloc (09022015). Collection method: clinical testing. Allele origin: germline.
Comment: This sequence change replaces threonine, which is neutral and polar, with isoleucine, which is neutral and non-polar, at codon 770 of the TSC1 protein (p.Thr770Ile). This variant is not present in population databases (gnomAD no frequency). This variant has not been reported in the literature in individuals affected with TSC1-related conditions. Advanced modeling of protein sequence and biophysical properties (such as structural, functional, and spatial information, amino acid conservation, physicochemical variation, residue mobility, and thermodynamic stability) performed at Invitae indicates that this missense variant is not expected to disrupt TSC1 protein function with a negative predictive value of 95%. In summary, the available evidence is currently insufficient to determine the role of this variant in disease. Therefore, it has been classified as a Variant of Uncertain Significance.

NM_000368.5(TSC1):c.2309C>T (p.Thr770Ile)

Gene: TSC1 (TSC complex subunit 1; minus strand). Cytogenetic location: 9q34.13.
Variant type: single nucleotide variant.
Coding change: c.2309C>T on transcript NM_000368.5 (MANE Select); coding-DNA position 2309, C replaced by T.
Protein change: p.Thr770Ile; replaces threonine 770 with isoleucine.
Molecular consequence: missense variant. On other transcripts: non-coding transcript variant (5).
Genome position (GRCh38, 1-based): chr9:132,902,687, G>A on the plus strand (C>T on the coding strand, the complement: TSC1 is on the minus strand). VCF-style: chr9-132902687-G-A. GRCh37 (hg19) VCF-style: chr9-135778074-G-A.
Other names: c.2153C>T, p.Thr718Ile (NM_001406611.1, NM_001406612.1, NM_001406613.1); c.1946C>T, p.Thr649Ile (NM_001406614.1, NM_001406615.1, NM_001406616.1 and 5 more transcripts); c.1943C>T, p.Thr648Ile (NM_001406620.1, NM_001406621.1, NM_001406622.1 and 2 more transcripts); c.2306C>T, p.Thr769Ile (NM_001162426.2, NM_001406597.1, NM_001406598.1 and 4 more transcripts); c.2156C>T, p.Thr719Ile (NM_001162427.2, NM_001406610.1); c.2309C>T, p.Thr770Ile (NM_001406592.1, NM_001406593.1, NM_001406594.1 and 5 more transcripts); c.2294C>T, p.Thr765Ile (NM_001406601.1, NM_001406602.1); c.2291C>T, p.Thr764Ile (NM_001406603.1, NM_001406604.1); and 3 more; short protein forms T453I, T648I, T718I, T770I, T719I, T419I, T764I, T452I.
Identifiers: ClinVar variation 3730689 (VCV003730689.2).